The following is an entry in ClinVar:

NM_001171.6(ABCC6):c.3902C>T (p.Thr1301Ile)

Gene: ABCC6 (ATP binding cassette subfamily C member 6; minus strand). Cytogenetic location: 16p13.11.
Variant type: single nucleotide variant.
Coding change: c.3902C>T on transcript NM_001171.6 (MANE Select); coding-DNA position 3902, C replaced by T.
Protein change: p.Thr1301Ile; replaces threonine 1301 with isoleucine.
Molecular consequence: missense variant. On other transcripts: non-coding transcript variant (1).
Genome position (GRCh38, 1-based): chr16:16,155,012, G>A on the plus strand (C>T on the coding strand, the complement: ABCC6 is on the minus strand). VCF-style: chr16-16155012-G-A. GRCh37 (hg19) VCF-style: chr16-16248869-G-A.
Other names: c.3560C>T, p.Thr1187Ile (NM_001351800.1); short protein forms T1301I, T1187I.
Identifiers: ClinVar variation 433334 (VCV000433334.11), dbSNP rs63750494, ClinGen allele CA278625576.

ClinVar aggregate classification (germline): Pathogenic/Likely pathogenic. Review status: criteria provided, multiple submitters, no conflicts (2 of 4 stars). 3 submissions from 3 submitters: Pathogenic (2); Likely pathogenic (1). Last evaluated 2025-03-25.

Conditions:
Autosomal recessive inherited pseudoxanthoma elasticum (PXE). Identifiers: Orphanet 758, MedGen CN032334, MONDO:0009925, OMIM 264800.

Allele frequency attached by ClinVar (database versions not stated): TOPMed below 0.00001; gnomAD exomes 0.00002.
gnomAD v4.1: 29 of 1,560,996 alleles (0.0019%); highest among the groups gnomAD compares: Non-Finnish European, 0.0024%; no homozygotes.

Submissions (3):

Revvity Omics, Revvity
Classification: Pathogenic. Last evaluated: 2025-03-25. Review status: criteria provided, single submitter. Criteria: ACMG Guidelines, 2015. Collection method: clinical testing. Allele origin: germline.

Labcorp Genetics (formerly Invitae), Labcorp
Classification: Pathogenic. Last evaluated: 2022-08-09. Review status: criteria provided, single submitter. Criteria: Invitae Variant Classification Sherloc (09022015). Collection method: clinical testing. Allele origin: germline.
Comment: For these reasons, this variant has been classified as Pathogenic. This sequence change replaces threonine, which is neutral and polar, with isoleucine, which is neutral and non-polar, at codon 1301 of the ABCC6 protein (p.Thr1301Ile). The frequency data for this variant in the population databases is considered unreliable, as metrics indicate poor data quality at this position in the gnomAD database. This missense change has been observed in individuals with pseudoxanthoma elasticum (PMID: 16835894, 18157818, 32873932). ClinVar contains an entry for this variant (Variation ID: 433334). Advanced modeling of protein sequence and biophysical properties (such as structural, functional, and spatial information, amino acid conservation, physicochemical variation, residue mobility, and thermodynamic stability) performed at Invitae indicates that this missense variant is expected to disrupt ABCC6 protein function. Experimental studies have shown that this missense change affects ABCC6 function (PMID: 24352041).

PXE International
Classification: Likely pathogenic for Autosomal recessive inherited pseudoxanthoma elasticum. Last evaluated: 2021-03-01. Review status: criteria provided, single submitter. Criteria: Submitter's publication. Collection method: research. Allele origin: germline. Inheritance: Autosomal recessive inheritance. Affected: yes.

Literature cited by the submitters: PubMed 16835894 (cited by Labcorp Genetics (formerly Invitae), Labcorp); PubMed 18157818 (cited by Labcorp Genetics (formerly Invitae), Labcorp); PubMed 32873932 (cited by Labcorp Genetics (formerly Invitae), Labcorp and PXE International); PubMed 24352041 (cited by Labcorp Genetics (formerly Invitae), Labcorp).